The following is an entry in ClinVar:

ClinVar aggregate classification (germline): Uncertain significance (1 of 4 stars; one submission).

Allele frequency attached by ClinVar (database versions not stated): gnomAD 0.00002 and 0.00003; TOPMed 0.00002; gnomAD exomes 0.00003 and 0.00006; ExAC 0.00004; ESP Exome Variant Server 0.00008.
gnomAD v4.1: 90 of 1,613,832 alleles (0.0056%); highest among the groups gnomAD compares: Non-Finnish European, 0.0069%; no homozygotes.

Submission:

Labcorp Genetics (formerly Invitae), Labcorp
Classification: Uncertain significance. Last evaluated: 2022-09-08. Review status: criteria provided, single submitter. Criteria: Invitae Variant Classification Sherloc (09022015). Collection method: clinical testing. Allele origin: germline.
Comment: This sequence change replaces asparagine with threonine at codon 674 of the SLC9A3 protein (p.Asn674Thr). The asparagine residue is weakly conserved and there is a small physicochemical difference between asparagine and threonine. This variant is present in population databases (rs373919488, gnomAD 0.005%). This variant has not been reported in the literature in individuals affected with SLC9A3-related conditions. ClinVar contains an entry for this variant (Variation ID: 1467847). Algorithms developed to predict the effect of missense changes on protein structure and function output the following: SIFT: "Not Available"; PolyPhen-2: "Benign"; Align-GVGD: "Not Available". The threonine amino acid residue is found in multiple mammalian species, which suggests that this missense change does not adversely affect protein function. In summary, the available evidence is currently insufficient to determine the role of this variant in disease. Therefore, it has been classified as a Variant of Uncertain Significance.

NM_004174.4(SLC9A3):c.2021A>C (p.Asn674Thr)

Genes: SLC9A3 (solute carrier family 9 member A3), SLC9A3-AS1 (SLC9A3 antisense RNA 1; plus strand). Cytogenetic location: 5p15.33.
Variant type: single nucleotide variant.
Coding change: c.2021A>C on transcript NM_004174.4 (MANE Select); coding-DNA position 2021, A replaced by C.
Protein change: p.Asn674Thr; replaces asparagine 674 with threonine.
Molecular consequence: missense variant. On other transcripts: non-coding transcript variant (1).
Genome position (GRCh38, 1-based): chr5:476,248, T>G on the plus strand (A>C on the coding strand, the complement: SLC9A3 is on the minus strand). VCF-style: chr5-476248-T-G. GRCh37 (hg19) VCF-style: chr5-476363-T-G.
Other names: c.1994A>C, p.Asn665Thr (NM_001284351.3); short protein forms N665T, N674T.
Identifiers: ClinVar variation 1467847 (VCV001467847.3), dbSNP rs373919488, ClinGen allele CA3175615.